The following is an entry in ClinVar:

ClinVar aggregate classification (germline): Pathogenic. Review status: criteria provided, multiple submitters, no conflicts (2 of 4 stars). 3 submissions from 3 submitters: Pathogenic (3). Last evaluated 2026-05-17.

Conditions:
Inborn genetic diseases. Identifiers: MedGen C0950123, MeSH D030342.

Submissions (3):

Ambry Genetics
Classification: Pathogenic for Inborn genetic diseases. Last evaluated: 2026-05-17. Review status: criteria provided, single submitter. Criteria: Ambry Variant Classification Scheme 2023. Collection method: clinical testing. Allele origin: germline.
Comment: The c.620delA (p.K207Rfs*8) alteration, located in exon 6 (coding exon 6) of the KIF11 gene, consists of a deletion of one nucleotide at position 620, causing a translational frameshift with a predicted alternate stop codon after 8 amino acids. This variant is expected to result in loss of function by premature protein truncation or nonsense-mediated mRNA decay. This variant was not reported in population-based cohorts in the Genome Aggregation Database (gnomAD). Based on the available evidence, this alteration is classified as pathogenic.

GeneDx
Classification: Pathogenic. Last evaluated: 2025-05-30. Review status: criteria provided, single submitter. Criteria: GeneDx Variant Classification Process June 2021. Collection method: clinical testing. Allele origin: germline.
Comment: Frameshift variant predicted to result in protein truncation or nonsense mediated decay in a gene for which loss of function is a known mechanism of disease; Not observed at significant frequency in large population cohorts (gnomAD); This variant is associated with the following publications: (PMID: 33137195)

Labcorp Genetics (formerly Invitae), Labcorp
Classification: Pathogenic. Last evaluated: 2022-11-26. Review status: criteria provided, single submitter. Criteria: Invitae Variant Classification Sherloc (09022015). Collection method: clinical testing. Allele origin: germline.
Comment: For these reasons, this variant has been classified as Pathogenic. This premature translational stop signal has been observed in individual(s) with KIF11-related conditions (PMID: 33137195). This sequence change creates a premature translational stop signal (p.Lys207Argfs*8) in the KIF11 gene. It is expected to result in an absent or disrupted protein product. Loss-of-function variants in KIF11 are known to be pathogenic (PMID: 22284827, 24281367). This variant is not present in population databases (gnomAD no frequency).

Literature cited by the submitters: PubMed 33137195 (cited by Labcorp Genetics (formerly Invitae), Labcorp); PubMed 22284827 (cited by Labcorp Genetics (formerly Invitae), Labcorp); PubMed 24281367 (cited by Labcorp Genetics (formerly Invitae), Labcorp).

NM_004523.4(KIF11):c.620del (p.Lys207fs)

Gene: KIF11 (kinesin family member 11; plus strand). Cytogenetic location: 10q23.33.
Variant type: Deletion.
Coding change: c.620del on transcript NM_004523.4 (MANE Select); coding-DNA position 620, one base deleted (A; older notation c.620delA).
Protein change: p.Lys207fs; shifts the reading frame from lysine 207.
Molecular consequence: frameshift variant.
Genome position (GRCh38, 1-based): chr10:92,609,431, A deleted; the last of 2 consecutive A bases (chr10:92,609,430-92,609,431); deleting either gives the same sequence. VCF-style (leftmost placement, unchanged base first): chr10-92609429-CA-C. GRCh37 (hg19) VCF-style: chr10-94369186-CA-C.
Other names: c.620del (NM_004523.3); c.620delA (NM_004523.3); short protein forms K207fs.
Identifiers: ClinVar variation 2780183 (VCV002780183.6), dbSNP rs2492482353, ClinGen allele CA2695212342.
Genomic context (GRCh38, chr10:92,609,429, plus strand): 5'-TTGGTATTTTGGTCAGAGAGGAGTGATAATTAAAGGTTTAGAAGAAATTACAGTACACAA[CA>C]AGGATGAAGTCTATCAAATTTTAGAAAAGGGGGCAGCAAAAAGGACAACTGCAGCTACTC-3'